The following is an entry in ClinVar:

NM_000138.5(FBN1):c.2994G>T (p.Met998Ile)

Gene: FBN1 (fibrillin 1; minus strand). Cytogenetic location: 15q21.1.
Variant type: single nucleotide variant.
Coding change: c.2994G>T on transcript NM_000138.5 (MANE Select); coding-DNA position 2994, G replaced by T.
Protein change: p.Met998Ile; replaces methionine 998 with isoleucine.
Molecular consequence: missense variant.
Genome position (GRCh38, 1-based): chr15:48,489,939, C>A on the plus strand (G>T on the coding strand, the complement: FBN1 is on the minus strand). VCF-style: chr15-48489939-C-A. GRCh37 (hg19) VCF-style: chr15-48782136-C-A.
Other names: c.2994G>T, p.Met998Ile (NM_001406716.1); short protein forms M998I.
Identifiers: ClinVar variation 3386825 (VCV003386825.1).

ClinVar aggregate classification (germline): Uncertain significance (1 of 4 stars; one submission).

Conditions:
Marfan syndrome (MFS). Also called: MARFAN SYNDROME, TYPE I; Marfan syndrome type 1; Marfan's syndrome; FBN1-Related Marfan Syndrome; Marfan syndrome, classic. Identifiers: Orphanet 284963, Orphanet 558, MedGen C0024796, MONDO:0007947, OMIM 154700.

Submission:

All of Us Research Program, National Institutes of Health
Classification: Uncertain significance for Marfan syndrome. Last evaluated: 2024-07-29. Review status: criteria provided, single submitter. Criteria: ACMG Guidelines, 2015. Collection method: clinical testing. Allele origin: germline. Inheritance: Autosomal dominant inheritance. Observed: 1 variant allele, 1 heterozygote.
Comment: This missense variant replaces methionine with isoleucine at codon 998 of the FBN1 protein. Computational prediction suggests that this variant may not impact protein structure and function (internally defined REVEL score threshold <= 0.5, PMID: 27666373). To our knowledge, functional studies have not been reported for this variant. This variant has not been reported in individuals affected with FBN1-related disorders in the literature. This variant has not been identified in the general population by the Genome Aggregation Database (gnomAD). The available evidence is insufficient to determine the role of this variant in disease conclusively. Therefore, this variant is classified as a Variant of Uncertain Significance.

This study involves interpretation of variants in research participants for the purpose of population health screening. Participant phenotype was not available at the time of variant classification. Additional details can be found in publication PMID: 35346344, PMCID: PMC8962531